The following is an entry in ClinVar:

NM_001329943.3(KIAA0586):c.2104A>G (p.Thr702Ala)

Gene: KIAA0586 (KIAA0586; plus strand). Cytogenetic location: 14q23.1.
Variant type: single nucleotide variant.
Coding change: c.2104A>G on transcript NM_001329943.3 (MANE Select); coding-DNA position 2104, A replaced by G.
Protein change: p.Thr702Ala; replaces threonine 702 with alanine.
Molecular consequence: missense variant.
Genome position (GRCh38, 1-based): chr14:58,465,879, A>G. VCF-style: chr14-58465879-A-G. GRCh37 (hg19) VCF-style: chr14-58932597-A-G.
Other names: c.2263A>G, p.Thr755Ala (NM_001244189.2); c.2059A>G, p.Thr687Ala (NM_001244190.2); c.1849A>G, p.Thr617Ala (NM_001244191.2, NM_001329945.2, NM_001364700.1 and 1 more transcripts); c.1972A>G, p.Thr658Ala (NM_001244192.2); c.1684A>G, p.Thr562Ala (NM_001244193.2); c.2104A>G, p.Thr702Ala (NM_001329944.2, NM_001329946.2, NM_001329947.2); c.1876A>G, p.Thr626Ala (NM_014749.5); short protein forms T562A, T702A, T755A, T617A, T687A, T626A, T658A.
Identifiers: ClinVar variation 1525191 (VCV001525191.8), dbSNP rs558410911, ClinGen allele CA7205788.

ClinVar aggregate classification (germline): Uncertain significance (1 of 4 stars; one submission).

Conditions:
Joubert syndrome 23 (JBTS23). Identifiers: Orphanet 475, MedGen C4084822, MONDO:0014664, OMIM 616490.
Short-rib thoracic dysplasia 14 with polydactyly (SRTD14). Identifiers: Orphanet 397715, MedGen C4225286, MONDO:0014688, OMIM 616546.

Allele frequency attached by ClinVar (database versions not stated): gnomAD exomes below 0.00001 and 0.00001; gnomAD 0.00001; TOPMed 0.00001; ExAC 0.00002; 1000 Genomes Project 30x 0.00016; 1000 Genomes Project 0.00020.
gnomAD v4.1: 6 of 1,612,770 alleles (0.00037%); highest among the groups gnomAD compares: East Asian, 0.011%; no homozygotes.

Submission:

Labcorp Genetics (formerly Invitae), Labcorp
Classification: Uncertain significance for Joubert syndrome 23; Short-rib thoracic dysplasia 14 with polydactyly. Last evaluated: 2021-04-10. Review status: criteria provided, single submitter. Criteria: Invitae Variant Classification Sherloc (09022015). Collection method: clinical testing. Allele origin: germline.
Comment: This sequence change replaces threonine with alanine at codon 755 of the KIAA0586 protein (p.Thr755Ala). The threonine residue is moderately conserved and there is a small physicochemical difference between threonine and alanine. In summary, the available evidence is currently insufficient to determine the role of this variant in disease. Therefore, it has been classified as a Variant of Uncertain Significance. Algorithms developed to predict the effect of sequence changes on RNA splicing suggest that this variant may create or strengthen a splice site, but this prediction has not been confirmed by published transcriptional studies. Algorithms developed to predict the effect of missense changes on protein structure and function output the following: SIFT: "Tolerated"; PolyPhen-2: "Benign"; Align-GVGD: "Class C0". The alanine amino acid residue is found in multiple mammalian species, suggesting that this missense change does not adversely affect protein function. These predictions have not been confirmed by published functional studies and their clinical significance is uncertain. This variant has not been reported in the literature in individuals with KIAA0586-related conditions. This variant is present in population databases (rs558410911, ExAC 0.02%).